The following is an entry in ClinVar:

ClinVar aggregate classification (germline): Uncertain significance. Review status: criteria provided, multiple submitters, no conflicts (2 of 4 stars). 3 submissions from 3 submitters: Uncertain significance (3). Last evaluated 2024-06-17.

Conditions:
Aortic aneurysm, familial thoracic 4 (AAT4). Also called: AORTIC ANEURYSM/AORTIC DISSECTION AND PATENT DUCTUS ARTERIOSUS. Identifiers: MedGen C1851504, MONDO:0007568, OMIM 132900.
Familial thoracic aortic aneurysm and aortic dissection (TAAD). Also called: Thoracic aortic aneurysms and dissections. Identifiers: Orphanet 91387, MedGen C4707243, MONDO:0019625.

Allele frequency attached by ClinVar (database versions not stated): gnomAD exomes below 0.00001; TOPMed below 0.00001; gnomAD 0.00001.
gnomAD v4.1: 2 of 1,613,796 alleles (0.00012%); highest among the groups gnomAD compares: Non-Finnish European, 0.00017%; no homozygotes.

Submissions (3):

All of Us Research Program, National Institutes of Health
Classification: Uncertain significance for Familial thoracic aortic aneurysm and aortic dissection. Last evaluated: 2024-06-17. Review status: criteria provided, single submitter. Criteria: ACMG Guidelines, 2015. Collection method: clinical testing. Allele origin: germline. Inheritance: Autosomal dominant inheritance. Observed: 1 variant allele, 1 heterozygote.
Comment: This missense variant replaces valine with leucine at codon 1296 of the MYH11 protein. Computational prediction tools and conservation analyses are inconclusive regarding the impact of this variant on the protein function. Computational splicing tools suggest that this variant may not impact RNA splicing. To our knowledge, functional assays have not been performed for this variant nor has this variant been reported in individuals affected with cardiovascular disorders in the literature. This variant has not been identified in the general population by the Genome Aggregation Database (gnomAD). Available evidence is insufficient to determine the role of this variant in disease conclusively. Therefore, this variant is classified as a Variant of Uncertain Significance.

This study involves interpretation of variants in research participants for the purpose of population health screening. Participant phenotype was not available at the time of variant classification. Additional details can be found in publication PMID: 35346344, PMCID: PMC8962531

Labcorp Genetics (formerly Invitae), Labcorp
Classification: Uncertain significance for Aortic aneurysm, familial thoracic 4. Last evaluated: 2024-01-16. Review status: criteria provided, single submitter. Criteria: Invitae Variant Classification Sherloc (09022015). Collection method: clinical testing. Allele origin: germline.
Comment: This sequence change replaces valine, which is neutral and non-polar, with leucine, which is neutral and non-polar, at codon 1296 of the MYH11 protein (p.Val1296Leu). This variant is not present in population databases (gnomAD no frequency). This variant has not been reported in the literature in individuals affected with MYH11-related conditions. ClinVar contains an entry for this variant (Variation ID: 921955). Advanced modeling of protein sequence and biophysical properties (such as structural, functional, and spatial information, amino acid conservation, physicochemical variation, residue mobility, and thermodynamic stability) performed at Invitae indicates that this missense variant is not expected to disrupt MYH11 protein function with a negative predictive value of 95%. In summary, the available evidence is currently insufficient to determine the role of this variant in disease. Therefore, it has been classified as a Variant of Uncertain Significance.

Color Diagnostics, LLC DBA Color Health
Classification: Uncertain significance for Familial thoracic aortic aneurysm and aortic dissection. Last evaluated: 2023-12-05. Review status: criteria provided, single submitter. Criteria: ACMG Guidelines, 2015. Collection method: clinical testing. Allele origin: germline.
Comment: This missense variant replaces valine with leucine at codon 1296 of the MYH11 protein. Computational prediction tools and conservation analyses are inconclusive regarding the impact of this variant on the protein function. Computational splicing tools suggest that this variant may not impact RNA splicing. To our knowledge, functional assays have not been performed for this variant nor has this variant been reported in individuals affected with cardiovascular disorders in the literature. This variant has not been identified in the general population by the Genome Aggregation Database (gnomAD). Available evidence is insufficient to determine the role of this variant in disease conclusively. Therefore, this variant is classified as a Variant of Uncertain Significance.

NM_002474.3(MYH11):c.3865G>C (p.Val1289Leu)

Genes: MYH11 (myosin heavy chain 11; minus strand), NDE1 (nudE neurodevelopment protein 1; plus strand). Cytogenetic location: 16p13.11.
Variant type: single nucleotide variant.
Coding change: c.3865G>C on transcript NM_002474.3 (MANE Select); coding-DNA position 3865, G replaced by C.
Protein change: p.Val1289Leu; replaces valine 1289 with leucine.
Molecular consequence: missense variant. On other transcripts: 3 prime UTR variant (2).
Genome position (GRCh38, 1-based): chr16:15,724,986, C>G on the plus strand (G>C on the coding strand, the complement: MYH11 is on the minus strand). VCF-style: chr16-15724986-C-G. GRCh37 (hg19) VCF-style: chr16-15818843-C-G.
Other names: c.3886G>C, p.Val1296Leu (NM_001040113.2, NM_001040114.2); c.3865G>C, p.Val1289Leu (NM_022844.3); c.*735C>G (NM_001143979.2, NM_017668.3); short protein forms V1296L, V1289L.
Identifiers: ClinVar variation 921955 (VCV000921955.9), dbSNP rs1264354643, ClinGen allele CA394859297.